The following is an entry in ClinVar:

ClinVar aggregate classification (germline): Uncertain significance. Review status: criteria provided, multiple submitters, no conflicts (2 of 4 stars). 2 submissions from 2 submitters: Uncertain significance (2). Last evaluated 2023-11-06.

Conditions:
Inborn genetic diseases. Identifiers: MedGen C0950123, MeSH D030342.

Allele frequency attached by ClinVar (database versions not stated): gnomAD exomes below 0.00001; ExAC 0.00001.
gnomAD v4.1: 5 of 1,613,894 alleles (0.00031%); highest among the groups gnomAD compares: East Asian, 0.011%; no homozygotes.

Submissions (2):

Ambry Genetics
Classification: Uncertain significance for Inborn genetic diseases. Last evaluated: 2023-11-06. Review status: criteria provided, single submitter. Criteria: Ambry Variant Classification Scheme 2023. Collection method: clinical testing. Allele origin: germline.

Labcorp Genetics (formerly Invitae), Labcorp
Classification: Uncertain significance. Last evaluated: 2023-08-02. Review status: criteria provided, single submitter. Criteria: Invitae Variant Classification Sherloc (09022015). Collection method: clinical testing. Allele origin: germline.
Comment: In summary, the available evidence is currently insufficient to determine the role of this variant in disease. Therefore, it has been classified as a Variant of Uncertain Significance. Experimental studies and prediction algorithms are not available or were not evaluated, and the functional significance of this variant is currently unknown. ClinVar contains an entry for this variant (Variation ID: 1966623). This variant has not been reported in the literature in individuals affected with PCLO-related conditions. This variant is present in population databases (rs775930899, gnomAD 0.02%). This sequence change replaces histidine, which is basic and polar, with proline, which is neutral and non-polar, at codon 3004 of the PCLO protein (p.His3004Pro).

NM_033026.6(PCLO):c.9011A>C (p.His3004Pro)

Gene: PCLO (piccolo presynaptic cytomatrix protein; minus strand). Cytogenetic location: 7q21.11.
Variant type: single nucleotide variant.
Coding change: c.9011A>C on transcript NM_033026.6 (MANE Select); coding-DNA position 9011, A replaced by C.
Protein change: p.His3004Pro; replaces histidine 3004 with proline.
Molecular consequence: missense variant.
Genome position (GRCh38, 1-based): chr7:82,951,942, T>G on the plus strand (A>C on the coding strand, the complement: PCLO is on the minus strand). VCF-style: chr7-82951942-T-G. GRCh37 (hg19) VCF-style: chr7-82581258-T-G.
Other names: c.9011A>C (NM_033026.5); c.9011A>C, p.His3004Pro (NM_014510.3); short protein forms H3004P.
Identifiers: ClinVar variation 1966623 (VCV001966623.6), dbSNP rs775930899, ClinGen allele CA4320016.
Genomic context (GRCh38, chr7:82,951,942, plus strand): 5'-TCTACTGCTGTGTCAGTTCCTTCAGAATAATCAAAAGCATTCTTACTTTTATAGAAAAAA[T>G]GTCCAGCTTCTGCTAAATTTGTGTCAGACATGGAAGGCTTCATTCCCCCAATCCCTCTAT-3'
Protein context (NP_149015.2, residues 2994-3014): MSDTNLAEAG[His3004Pro]FFYKSKNAFD